The following is an entry in ClinVar:

NM_002427.4(MMP13):c.316G>C (p.Val106Leu)

Genes: MMP13 (matrix metallopeptidase 13; minus strand), LOC126861318 (BRD4-independent group 4 enhancer GRCh37_chr11:102825894-102827093; plus strand). Cytogenetic location: 11q22.2.
Variant type: single nucleotide variant.
Coding change: c.316G>C on transcript NM_002427.4 (MANE Select); coding-DNA position 316, G replaced by C.
Protein change: p.Val106Leu; replaces valine 106 with leucine.
Molecular consequence: missense variant.
Genome position (GRCh38, 1-based): chr11:102,955,298, C>G on the plus strand (G>C on the coding strand, the complement: MMP13 is on the minus strand). VCF-style: chr11-102955298-C-G. GRCh37 (hg19) VCF-style: chr11-102826027-C-G.
Other names: short protein forms V106L.
Identifiers: ClinVar variation 1491939 (VCV001491939.6), dbSNP rs781565326, ClinGen allele CA6252024.

ClinVar aggregate classification (germline): Uncertain significance (1 of 4 stars; one submission).

Allele frequency attached by ClinVar (database versions not stated): gnomAD 0.00005; gnomAD exomes 0.00011 and 0.00024; TOPMed 0.00011; ExAC 0.00023.
gnomAD v4.1: 71 of 1,613,782 alleles (0.0044%); highest among the groups gnomAD compares: Admixed American, 0.12%; no homozygotes.

Submission:

Labcorp Genetics (formerly Invitae), Labcorp
Classification: Uncertain significance. Last evaluated: 2025-11-26. Review status: criteria provided, single submitter. Criteria: Invitae Variant Classification Sherloc (09022015). Collection method: clinical testing. Allele origin: germline.
Comment: This sequence change replaces valine, which is neutral and non-polar, with leucine, which is neutral and non-polar, at codon 106 of the MMP13 protein (p.Val106Leu). This variant is present in population databases (rs781565326, gnomAD 0.2%). This variant has not been reported in the literature in individuals affected with MMP13-related conditions. ClinVar contains an entry for this variant (Variation ID: 1491939). Invitae Evidence Modeling of protein sequence and biophysical properties (such as structural, functional, and spatial information, amino acid conservation, physicochemical variation, residue mobility, and thermodynamic stability) indicates that this missense variant is not expected to disrupt MMP13 protein function with a negative predictive value of 80%. In summary, the available evidence is currently insufficient to determine the role of this variant in disease. Therefore, it has been classified as a Variant of Uncertain Significance.